The following is an entry in ClinVar:

ClinVar aggregate classification (germline): Uncertain significance. Review status: criteria provided, multiple submitters, no conflicts (2 of 4 stars). 5 submissions from 5 submitters: Uncertain significance (5). Last evaluated 2026-09-17.

Conditions:
Factor H deficiency (CFHD). Also called: CFH DEFICIENCY; COMPLEMENT FACTOR H DEFICIENCY. Identifiers: Orphanet 200421, MedGen C0398777, MONDO:0012350, OMIM 609814.
Hemolytic uremic syndrome, atypical, susceptibility to, 1. Also called: AHUS, SUSCEPTIBILITY TO, 1. Identifiers: Orphanet 2134, Orphanet 90038, MedGen C2749604, MONDO:0009335, OMIM 235400. Disease mechanism: Other.
Basal laminar drusen. Also called: DRUSEN OF BRUCH MEMBRANE; DRUSEN, CUTICULAR; DRUSEN, EARLY ADULT-ONSET, GROUPED. Identifiers: Orphanet 75376, MedGen C0730295, MONDO:0007472, OMIM 126700.
Age related macular degeneration 4. Identifiers: MedGen C1853147, MONDO:0012540, OMIM 610698.

Allele frequency attached by ClinVar (database versions not stated): gnomAD 0.00002; TOPMed 0.00002.
gnomAD v4.1: 17 of 1,613,756 alleles (0.0011%); highest among the groups gnomAD compares: Non-Finnish European, 0.0014%; no homozygotes.

Submissions (5):

Genomenon, Inc
Classification: Uncertain significance for Age related macular degeneration 4. Last evaluated: 2026-09-17. Review status: criteria provided, single submitter. Criteria: Genomenon Sequence Variant Interpretation Standards - Updated. Collection method: curation. Allele origin: germline. Affected: yes.
Comment: CFH p.Ile1169Thr (c.3506T>C) is a missense variant that changes the amino acid at codon 1169 from isoleucine to threonine. This variant has been observed in at least one proband affected with age-related macular degeneration (PMID: 29888403). It is absent or not present at a significant frequency in gnomAD. In conclusion, we classify CFH p.Ile1169Thr (c.3506T>C) as a variant of uncertain significance.

MVZ Medizinische Genetik Mainz
Classification: Uncertain significance for Hemolytic uremic syndrome, atypical, susceptibility to, 1. Last evaluated: 2024-05-28. Review status: criteria provided, single submitter. Criteria: UK Practice Guidelines For Variant Classification V4 01 2020. Collection method: clinical testing. Allele origin: germline. Inheritance: Autosomal dominant inheritance. Affected: yes. Observed: 1 variant allele.
Comment: ACMG Criteria: PM5,PS4_SUP,PM1_SUP,PM2_SUP

Fulgent Genetics
Classification: Uncertain significance for Basal laminar drusen; Hemolytic uremic syndrome, atypical, susceptibility to, 1; Factor H deficiency; Age related macular degeneration 4. Last evaluated: 2024-05-03. Review status: criteria provided, single submitter. Criteria: ACMG Guidelines, 2015. Collection method: clinical testing. Allele origin: germline.

Mayo Clinic Laboratories, Mayo Clinic
Classification: Uncertain significance. Last evaluated: 2023-04-06. Review status: criteria provided, single submitter. Criteria: ACMG Guidelines, 2015. Collection method: clinical testing. Allele origin: germline. Observed: 2 variant alleles.

Blueprint Genetics
Classification: Uncertain significance. Last evaluated: 2021-12-31. Review status: criteria provided, single submitter. Criteria: ACMG Guidelines, 2015. Collection method: clinical testing. Allele origin: germline.

Literature cited by the submitters: PubMed 29888403 (cited by Genomenon, Inc and Mayo Clinic Laboratories, Mayo Clinic).

NM_000186.4(CFH):c.3506T>C (p.Ile1169Thr)

Gene: CFH (complement factor H; plus strand). Cytogenetic location: 1q31.3.
Variant type: single nucleotide variant.
Coding change: c.3506T>C on transcript NM_000186.4 (MANE Select); coding-DNA position 3506, T replaced by C.
Protein change: p.Ile1169Thr; replaces isoleucine 1169 with threonine.
Molecular consequence: missense variant.
Genome position (GRCh38, 1-based): chr1:196,747,123, T>C. VCF-style: chr1-196747123-T-C. GRCh37 (hg19) VCF-style: chr1-196716253-T-C.
Other names: p.Ile1169Thr; short protein forms I1169T.
Identifiers: ClinVar variation 2682691 (VCV002682691.6), dbSNP rs1481833392, ClinGen allele CA343986996.